The following is an entry in ClinVar:

ClinVar aggregate classification (germline): Uncertain significance (1 of 4 stars; one submission).

Conditions:
FLII-related condition.

gnomAD v4.1: 2 of 1,613,704 alleles (0.00012%); highest among the groups gnomAD compares: Non-Finnish European, 0.00017%; no homozygotes.

Submission:

PreventionGenetics, part of Exact Sciences
Classification: Uncertain significance for FLII-related condition. Last evaluated: 2026-05-08. Review status: criteria provided, single submitter. Criteria: ACMG Guidelines, 2015. Collection method: clinical testing. Allele origin: germline.
Comment: The FLII c.3431T>G variant is predicted to result in the amino acid substitution p.Phe1144Cys. To our knowledge, this variant has not been reported in the literature or in a large population database (gnomAD), indicating this variant is rare. At this time, the clinical significance of this variant is uncertain due to the absence of conclusive functional and genetic evidence.

NM_002018.4(FLII):c.3431T>G (p.Phe1144Cys)

Gene: FLII (FLII actin remodeling protein; minus strand). Cytogenetic location: 17p11.2.
Variant type: single nucleotide variant.
Coding change: c.3431T>G on transcript NM_002018.4 (MANE Select); coding-DNA position 3431, T replaced by G.
Protein change: p.Phe1144Cys; replaces phenylalanine 1144 with cysteine.
Molecular consequence: missense variant.
Genome position (GRCh38, 1-based): chr17:18,245,816, A>C on the plus strand (T>G on the coding strand, the complement: FLII is on the minus strand). VCF-style: chr17-18245816-A-C. GRCh37 (hg19) VCF-style: chr17-18149130-A-C.
Other names: c.3398T>G, p.Phe1133Cys (NM_001256264.2); c.3266T>G, p.Phe1089Cys (NM_001256265.2); short protein forms F1089C, F1133C, F1144C.
Identifiers: ClinVar variation 4982854 (VCV004982854.1).